The following is an entry in ClinVar:

ClinVar aggregate classification (germline): Pathogenic (1 of 4 stars; one submission).

Submission:

Labcorp Genetics (formerly Invitae), Labcorp
Classification: Pathogenic. Last evaluated: 2024-02-10. Review status: criteria provided, single submitter. Criteria: Invitae Variant Classification Sherloc (09022015). Collection method: clinical testing. Allele origin: germline.
Comment: This sequence change creates a premature translational stop signal (p.Leu711Glufs*28) in the TBCD gene. It is expected to result in an absent or disrupted protein product. Loss-of-function variants in TBCD are known to be pathogenic (PMID: 27666370, 27666374). This variant is not present in population databases (gnomAD no frequency). This variant has not been reported in the literature in individuals affected with TBCD-related conditions. For these reasons, this variant has been classified as Pathogenic.

Literature cited by the submitters: PubMed 27666370; PubMed 27666374.

NM_005993.5(TBCD):c.2131_2132del (p.Leu711fs)

Gene: TBCD (tubulin folding cofactor D). Cytogenetic location: 17q25.3.
Variant type: Deletion.
Coding change: c.2131_2132del on transcript NM_005993.5 (MANE Select); coding-DNA positions 2131 to 2132, 2 bases deleted.
Protein change: p.Leu711fs; shifts the reading frame from leucine 711.
Molecular consequence: frameshift variant.
Genome position: GRCh38 VCF-style: chr17-82921528-CTT-C. GRCh37 (hg19) VCF-style: chr17-80879404-CTT-C.
Other names: c.2080_2081del, p.Leu694fs (NM_001411101.1); c.2050_2051del, p.Leu684fs (NM_001411102.1); short protein forms L684fs, L694fs, L711fs.
Identifiers: ClinVar variation 3640019 (VCV003640019.2).
Genomic context (GRCh38, chr17:82,921,528, plus strand): 5'-TTGCCTGGGTACGCTAACTTGATTTTTTGACAGATGGTTGGCAATGGCTGATAAATGACA[CTT>C]TGAGACATCTCCATCTCATCTCAAGTCACTCCCGCCAGCAGATGAAGGTACAGTGAGCAT-3'